The following is an entry in ClinVar:

NM_022051.3(EGLN1):c.*989T>C

Gene: EGLN1 (egl-9 family hypoxia inducible factor 1; minus strand). Cytogenetic location: 1q42.2.
Variant type: single nucleotide variant.
Coding change: c.*989T>C on transcript NM_022051.3 (MANE Select); 989 bases downstream of the stop codon, T replaced by C.
Molecular consequence: 3 prime UTR variant.
Genome position (GRCh38, 1-based): chr1:231,365,422, A>G on the plus strand (T>C on the coding strand, the complement: EGLN1 is on the minus strand). VCF-style: chr1-231365422-A-G. GRCh37 (hg19) VCF-style: chr1-231501168-A-G.
Other names: c.*1050T>C (NM_001377260.1); c.*1095T>C (NM_001377261.1).
Identifiers: ClinVar variation 296166 (VCV000296166.5), dbSNP rs7550833, ClinGen allele CA10610352.

ClinVar aggregate classification (germline): Benign (1 of 4 stars; one submission).

Conditions:
Erythrocytosis, familial, 3 (ECYT3). Identifiers: Orphanet 247511, MedGen C1853286, MONDO:0012353, OMIM 609820.

Allele frequency attached by ClinVar (database versions not stated): gnomAD 0.03149 and 0.03358; TOPMed 0.03520; 1000 Genomes Project 0.04073; 1000 Genomes Project 30x 0.04325.

Submission:

Illumina Laboratory Services, Illumina
Classification: Benign for Erythrocytosis, familial, 3. Last evaluated: 2018-01-12. Review status: criteria provided, single submitter. Criteria: ICSL Variant Classification Criteria 13 December 2019. Collection method: clinical testing. Allele origin: germline.
Comment: This variant was observed in the ICSL laboratory as part of a predisposition screen in an ostensibly healthy population. It had not been previously curated by ICSL or reported in the Human Gene Mutation Database (HGMD: prior to June 1st, 2018), and was therefore a candidate for classification through an automated scoring system. Utilizing variant allele frequency, disease prevalence and penetrance estimates, and inheritance mode, an automated score was calculated to assess if this variant is too frequent to cause the disease. Based on the score and internal cut-off values, a variant classified as benign is not then subjected to further curation. The score for this variant resulted in a classification of benign for this disease.